The following is an entry in ClinVar:

ClinVar aggregate classification (germline): Pathogenic (1 of 4 stars; one submission).

Conditions:
Cohen syndrome (COH1). Also called: PEPPER SYNDROME; Cutis verticis gyrata, retinitis pigmentosa, and sensorineural deafness. Identifiers: Orphanet 193, MedGen C0265223, MONDO:0008999, OMIM 216550.

Submission:

Labcorp Genetics (formerly Invitae), Labcorp
Classification: Pathogenic for Cohen syndrome. Last evaluated: 2022-06-24. Review status: criteria provided, single submitter. Criteria: Invitae Variant Classification Sherloc (09022015). Collection method: clinical testing. Allele origin: germline.
Comment: For these reasons, this variant has been classified as Pathogenic. This variant has not been reported in the literature in individuals affected with VPS13B-related conditions. This variant is not present in population databases (gnomAD no frequency). This sequence change creates a premature translational stop signal (p.Leu924*) in the VPS13B gene. It is expected to result in an absent or disrupted protein product. Loss-of-function variants in VPS13B are known to be pathogenic (PMID: 15141358, 16648375, 20461111).

Literature cited by the submitters: PubMed 15141358; PubMed 16648375; PubMed 20461111.

NM_152564.5(VPS13B):c.2771del (p.Asp923_Leu924insTer)

Gene: VPS13B (vacuolar protein sorting 13 homolog B; plus strand). Cytogenetic location: 8q22.2.
Variant type: Deletion.
Coding change: c.2771del on transcript NM_152564.5 (MANE Select); coding-DNA position 2771, one base deleted (T; older notation c.2771delT).
Protein change: p.Asp923_Leu924insTer.
Molecular consequence: nonsense.
Genome position (GRCh38, 1-based): chr8:99,275,201, T deleted; the last of 3 consecutive T bases (chr8:99,275,199-99,275,201); deleting any one gives the same sequence. VCF-style (leftmost placement, unchanged base first): chr8-99275198-AT-A. GRCh37 (hg19) VCF-style: chr8-100287426-AT-A.
Other names: c.2771del, p.Asp923_Leu924insTer (NM_017890.5).
Identifiers: ClinVar variation 2010205 (VCV002010205.4), dbSNP rs2489226859, ClinGen allele CA2580079126.